The following is an entry in ClinVar:

NM_001267550.2(TTN):c.59618T>C (p.Leu19873Pro)

Genes: TTN (titin; minus strand), TTN-AS1 (TTN antisense RNA 1; plus strand), LOC126806424 (CDK7 strongly-dependent group 2 enhancer GRCh37_chr2:179456337-179457536; plus strand). Cytogenetic location: 2q31.2.
Variant type: single nucleotide variant.
Coding change: c.59618T>C on transcript NM_001267550.2 (MANE Select); coding-DNA position 59618, T replaced by C.
Protein change: p.Leu19873Pro; replaces leucine 19873 with proline.
Molecular consequence: missense variant.
Genome position (GRCh38, 1-based): chr2:178,592,387, A>G on the plus strand (T>C on the coding strand, the complement: TTN is on the minus strand). VCF-style: chr2-178592387-A-G. GRCh37 (hg19) VCF-style: chr2-179457114-A-G.
Other names: c.54695T>C, p.Leu18232Pro (NM_001256850.1); c.32423T>C, p.Leu10808Pro (NM_003319.4); c.32798T>C, p.Leu10933Pro (NM_133432.3); c.32999T>C, p.Leu11000Pro (NM_133437.4); c.59618T>C (NM_001267550.1); c.51914T>C, p.Leu17305Pro (NM_133378.4); short protein forms L17305P, L19873P, L11000P, L10808P, L10933P, L18232P.
Identifiers: ClinVar variation 165935 (VCV000165935.28), dbSNP rs727503589, ClinGen allele CA178647.

ClinVar aggregate classification (germline): Uncertain significance. Review status: criteria provided, multiple submitters, no conflicts (2 of 4 stars). 3 submissions from 3 submitters: Uncertain significance (3). Last evaluated 2025-08-04.

Allele frequency attached by ClinVar (database versions not stated): gnomAD exomes 0.00001; ExAC 0.00002.
gnomAD v4.1: 12 of 1,612,194 alleles (0.00074%); highest among the groups gnomAD compares: Non-Finnish European, 0.001%; no homozygotes.

Submissions (3):

GeneDx
Classification: Uncertain significance. Last evaluated: 2025-08-04. Review status: criteria provided, single submitter. Criteria: GeneDx Variant Classification Process June 2021. Collection method: clinical testing. Allele origin: germline. Affected: yes.
Comment: Not observed at significant frequency in large population cohorts (gnomAD); Missense variant in a gene in which most reported pathogenic variants are truncating/loss of function; Has not been previously published as pathogenic or benign to our knowledge

CeGaT Center for Human Genetics Tuebingen
Classification: Uncertain significance. Last evaluated: 2023-12-01. Review status: criteria provided, single submitter. Criteria: CeGaT Center For Human Genetics Tuebingen Variant Classification Criteria Version 2. Collection method: clinical testing. Allele origin: germline. Affected: yes. Observed: 1 variant allele.

Laboratory for Molecular Medicine, Mass General Brigham Personalized Medicine
Classification: Uncertain significance. Last evaluated: 2014-08-28. Review status: criteria provided, single submitter. Criteria: LMM Criteria. Collection method: clinical testing. Allele origin: germline. Observed: 1 variant allele.
Comment: The Leu17305Pro variant in TTN has not been previously reported in individuals w ith cardiomyopathy or in large population studies. Computational prediction tool s and conservation analysis do not provide strong support for or against an impa ct to the protein. In summary, the clinical significance of the Leu17305Pro vari ant is uncertain.